The following is an entry in ClinVar:

NM_007194.4(CHEK2):c.916G>A (p.Gly306Arg)

Gene: CHEK2 (checkpoint kinase 2; minus strand). Cytogenetic location: 22q12.1.
Variant type: single nucleotide variant.
Coding change: c.916G>A on transcript NM_007194.4 (MANE Select); coding-DNA position 916, G replaced by A.
Protein change: p.Gly306Arg; replaces glycine 306 with arginine.
Molecular consequence: missense variant.
Genome position (GRCh38, 1-based): chr22:28,699,930, C>T on the plus strand (G>A on the coding strand, the complement: CHEK2 is on the minus strand). VCF-style: chr22-28699930-C-T. GRCh37 (hg19) VCF-style: chr22-29095918-C-T.
Other names: c.1045G>A, p.Gly349Arg (NM_001005735.3); c.253G>A, p.Gly85Arg (NM_001257387.3); c.715G>A, p.Gly239Arg (NM_001349956.3); c.916G>A, p.Gly306Arg (NM_145862.3); short protein forms G306R, G349R, G85R, G239R.
Identifiers: ClinVar variation 156500 (VCV000156500.15), dbSNP rs587783051, ClinGen allele CA270852.

ClinVar aggregate classification (germline): Uncertain significance. Review status: criteria provided, multiple submitters, no conflicts (2 of 4 stars). 4 submissions from 4 submitters: Uncertain significance (3). 1 of the submissions does not count toward it. Last evaluated 2025-12-01.

Conditions:
Hereditary cancer-predisposing syndrome. Also called: Hereditary Cancer Syndrome; Neoplastic Syndromes, Hereditary; Hereditary neoplastic syndrome; Tumor predisposition. Identifiers: Orphanet 140162, MedGen C0027672, MeSH D009386, MONDO:0015356.
Familial cancer of breast. Also called: BREAST CANCER, FAMILIAL; Hereditary breast cancer; hereditary breast carcinoma. Identifiers: Orphanet 227535, MedGen C0346153, MONDO:0016419, OMIM 114480. Disease mechanism: loss of function.

gnomAD v4.1: 1 of 1,613,272 alleles (0.000062%); highest among the groups gnomAD compares: Non-Finnish European, 0.000085%; no homozygotes.

Submissions (4):

Labcorp Genetics (formerly Invitae), Labcorp
Classification: Uncertain significance for Familial cancer of breast. Last evaluated: 2025-12-01. Review status: criteria provided, single submitter. Criteria: Invitae Variant Classification Sherloc (09022015). Collection method: clinical testing. Allele origin: germline.
Comment: This sequence change replaces glycine, which is neutral and non-polar, with arginine, which is basic and polar, at codon 306 of the CHEK2 protein (p.Gly306Arg). This variant is not present in population databases (gnomAD no frequency). This variant has not been reported in the literature in individuals affected with CHEK2-related conditions. ClinVar contains an entry for this variant (Variation ID: 156500). An algorithm developed to predict the effect of missense changes on protein structure and function (PolyPhen-2) suggests that this variant is likely to be disruptive. In summary, the available evidence is currently insufficient to determine the role of this variant in disease. Therefore, it has been classified as a Variant of Uncertain Significance.

Ambry Genetics
Classification: Uncertain significance for Hereditary cancer-predisposing syndrome. Last evaluated: 2024-11-19. Review status: criteria provided, single submitter. Criteria: Ambry Variant Classification Scheme 2023. Collection method: clinical testing. Allele origin: germline.
Comment: The p.G306R variant (also known as c.916G>A), located in coding exon 8 of the CHEK2 gene, results from a G to A substitution at nucleotide position 916. The glycine at codon 306 is replaced by arginine, an amino acid with dissimilar properties. This amino acid position is highly conserved in available vertebrate species. In addition, this alteration is predicted to be deleterious by in silico analysis. Based on the available evidence, the clinical significance of this variant remains unclear.

GeneDx
Classification: Uncertain significance. Last evaluated: 2022-02-17. Review status: criteria provided, single submitter. Criteria: GeneDx Variant Classification Process June 2021. Collection method: clinical testing. Allele origin: germline. Affected: yes.
Comment: Not observed at significant frequency in large population cohorts (gnomAD); In silico analysis supports that this missense variant has a deleterious effect on protein structure/function; Has not been previously published as pathogenic or benign to our knowledge; This variant is associated with the following publications: (PMID: 22419737, 19782031)

Pathway Genomics
Classification: Uncertain significance for Breast carcinoma. Last evaluated: 2014-07-24. Review status: no assertion criteria provided. Collection method: clinical testing. Allele origin: germline. Not counted in ClinVar's aggregate classification.